The following is an entry in ClinVar:

NM_000151.4(G6PC1):c.181C>T (p.Leu61Phe)

Gene: G6PC1 (glucose-6-phosphatase catalytic subunit 1; plus strand). Cytogenetic location: 17q21.31.
Variant type: single nucleotide variant.
Coding change: c.181C>T on transcript NM_000151.4 (MANE Select); coding-DNA position 181, C replaced by T.
Protein change: p.Leu61Phe; replaces leucine 61 with phenylalanine.
Molecular consequence: missense variant.
Genome position (GRCh38, 1-based): chr17:42,901,057, C>T. VCF-style: chr17-42901057-C-T. GRCh37 (hg19) VCF-style: chr17-41053074-C-T.
Other names: c.181C>T, p.Leu61Phe (NM_001270397.2); short protein forms L61F.
Identifiers: ClinVar variation 1800118 (VCV001800118.2), dbSNP rs2544206624, ClinGen allele CA399651154.

ClinVar aggregate classification (germline): Uncertain significance (1 of 4 stars; one submission).

Allele frequency attached by ClinVar (database versions not stated): gnomAD exomes below 0.00001.
gnomAD v4.1: 3 of 1,614,184 alleles (0.00019%); highest among the groups gnomAD compares: Non-Finnish European, 0.00025%; no homozygotes.

Submission:

Ambry Genetics
Classification: Uncertain significance. Last evaluated: 2022-06-22. Review status: criteria provided, single submitter. Criteria: Ambry Variant Classification Scheme 2023. Collection method: clinical testing. Allele origin: germline.
Comment: The p.L61F variant (also known as c.181C>T), located in coding exon 1 of the G6PC gene, results from a C to T substitution at nucleotide position 181. The leucine at codon 61 is replaced by phenylalanine, an amino acid with highly similar properties. This amino acid position is conserved. In addition, this alteration is predicted to be deleterious by in silico analysis. Since supporting evidence is limited at this time, the clinical significance of this alteration remains unclear.